The following is an entry in ClinVar:

ClinVar aggregate classification (germline): Uncertain significance (1 of 4 stars; one submission).

Conditions:
COG1 congenital disorder of glycosylation (CDG2G). Also called: CDG IIg; CDGII/COG1 CEREBROCOSTOMANDIBULAR-LIKE SYNDROME; CONGENITAL DISORDER OF GLYCOSYLATION, TYPE IIg. Identifiers: Orphanet 263508, MedGen C2931011, MONDO:0012637, OMIM 611209.

Submission:

Labcorp Genetics (formerly Invitae), Labcorp
Classification: Uncertain significance for COG1 congenital disorder of glycosylation. Last evaluated: 2022-06-08. Review status: criteria provided, single submitter. Criteria: Invitae Variant Classification Sherloc (09022015). Collection method: clinical testing. Allele origin: germline.
Comment: In summary, the available evidence is currently insufficient to determine the role of this variant in disease. Therefore, it has been classified as a Variant of Uncertain Significance. This sequence change replaces glutamic acid, which is acidic and polar, with glutamine, which is neutral and polar, at codon 839 of the COG1 protein (p.Glu839Gln). This variant is not present in population databases (gnomAD no frequency). This variant has not been reported in the literature in individuals affected with COG1-related conditions. Algorithms developed to predict the effect of missense changes on protein structure and function (SIFT, PolyPhen-2, Align-GVGD) all suggest that this variant is likely to be tolerated.

NM_018714.3(COG1):c.2515G>C (p.Glu839Gln)

Gene: COG1 (component of oligomeric golgi complex 1; plus strand). Cytogenetic location: 17q25.1.
Variant type: single nucleotide variant.
Coding change: c.2515G>C on transcript NM_018714.3 (MANE Select); coding-DNA position 2515, G replaced by C.
Protein change: p.Glu839Gln; replaces glutamic acid 839 with glutamine.
Molecular consequence: missense variant.
Genome position (GRCh38, 1-based): chr17:73,206,158, G>C. VCF-style: chr17-73206158-G-C. GRCh37 (hg19) VCF-style: chr17-71202297-G-C.
Other names: short protein forms E839Q.
Identifiers: ClinVar variation 2002871 (VCV002002871.4), dbSNP rs2511087504, ClinGen allele CA400896440.